The following is an entry in ClinVar:

ClinVar aggregate classification (germline): Pathogenic. Review status: reviewed by expert panel (3 of 4 stars). 3 submissions from 3 submitters: Pathogenic (1). 2 of the submissions do not count toward it. Last evaluated 2017-12-15.

Conditions:
Inherited breast cancer and ovarian cancer.
Breast-ovarian cancer, familial, susceptibility to, 1 (BROVCA1). Also called: OVARIAN CANCER, SUSCEPTIBILITY TO; BRCA1 Hereditary Breast and Ovarian Cancer. Identifiers: Orphanet 145, MedGen C2676676, MONDO:0011450, OMIM 604370. Disease mechanism: loss of function.
Familial cancer of breast. Also called: Hereditary breast cancer; hereditary breast carcinoma; BREAST CANCER, FAMILIAL. Identifiers: Orphanet 227535, MedGen C0346153, MONDO:0016419, OMIM 114480. Disease mechanism: loss of function.

Submissions (3):

Evidence-based Network for the Interpretation of Germline Mutant Alleles (ENIGMA)
Classification: Pathogenic for Breast-ovarian cancer, familial, susceptibility to, 1. Last evaluated: 2017-12-15. Review status: reviewed by expert panel. Criteria: ENIGMA BRCA1/2 Classification Criteria (2017-06-29). Collection method: curation. Allele origin: germline. Study: ENIGMA.
Comment: Variant allele predicted to encode a truncated non-functional protein.

Cambridge Genomics Laboratory, East Genomic Laboratory Hub, NHS Genomic Medicine Service
Classification: Pathogenic for Inherited breast cancer and ovarian cancer. Last evaluated: 2025-03-06. Review status: criteria provided, single submitter. Criteria: ACGS Best Practice Guidelines for Variant Classification in Rare Disease 2020. Collection method: clinical testing. Allele origin: germline. Affected: yes. Not counted in ClinVar's aggregate classification.
Comment: PVS1,PS4,PM2,PM5_Strong

ClinVar Staff, National Center for Biotechnology Information (NCBI)
No classification provided. Condition: Familial cancer of breast. Review status: no classification provided. Collection method: literature only. Allele origin: germline. Affected: yes. Not counted in ClinVar's aggregate classification.

Literature cited by the submitters: PubMed 14648706 (cited by ClinVar Staff, National Center for Biotechnology Information (NCBI)).

NM_007294.4(BRCA1):c.1063A>T (p.Lys355Ter)

Gene: BRCA1 (BRCA1 DNA repair associated; minus strand). Cytogenetic location: 17q21.31.
Variant type: single nucleotide variant.
Coding change: c.1063A>T on transcript NM_007294.4 (MANE Select); coding-DNA position 1063, A replaced by T.
Protein change: p.Lys355Ter; replaces lysine 355 with a stop codon.
Molecular consequence: nonsense. On other transcripts: intron variant (137).
Genome position (GRCh38, 1-based): chr17:43,094,468, T>A on the plus strand (A>T on the coding strand, the complement: BRCA1 is on the minus strand). VCF-style: chr17-43094468-T-A. GRCh37 (hg19) VCF-style: chr17-41246485-T-A.
Other names: c.850A>T, p.Lys284Ter (NM_001407571.1, NM_001407853.1, NM_001407894.1 and 9 more transcripts); c.1063A>T, p.Lys355Ter (NM_001407581.1, NM_001407582.1, NM_001407583.1 and 30 more transcripts); c.1060A>T, p.Lys354Ter (NM_001407587.1, NM_001407590.1, NM_001407591.1 and 22 more transcripts); c.1054A>T, p.Lys352Ter (NM_001407646.1, NM_001407647.1); c.940A>T, p.Lys314Ter (NM_001407648.1, NM_001407664.1, NM_001407665.1 and 19 more transcripts); c.937A>T, p.Lys313Ter (NM_001407649.1, NM_001407670.1, NM_001407671.1 and 11 more transcripts); c.985A>T, p.Lys329Ter (NM_001407653.1, NM_001407654.1, NM_001407655.1 and 4 more transcripts); c.982A>T, p.Lys328Ter (NM_001407659.1, NM_001407660.1, NM_001407661.1 and 1 more transcripts); and 40 more; short protein forms K355*, K308*, K243*, K244*, K285*, K288*, K307*, K328*.
Identifiers: ClinVar variation 54111 (VCV000054111.4), dbSNP rs397508829, ClinGen allele CA000707.